The following is an entry in ClinVar:

ClinVar aggregate classification (germline): Uncertain significance (1 of 4 stars; one submission).

Submission:

GeneDx
Classification: Uncertain significance. Last evaluated: 2021-02-16. Review status: criteria provided, single submitter. Criteria: GeneDx Variant Classification Process June 2021. Collection method: clinical testing. Allele origin: germline. Affected: yes.
Comment: Not observed in large population cohorts (Lek et al., 2016); Has not been previously published as pathogenic or benign to our knowledge; In-silico analysis, which includes splice predictors and evolutionary conservation, is inconclusive as to whether the variant alters gene splicing. In the absence of RNA/functional studies, the actual effect of this sequence change is unknown.

NM_001127392.3(MYRF):c.2014-3_2014-2insCCATGTC

Gene: MYRF (myelin regulatory factor; plus strand). Cytogenetic location: 11q12.2.
Variant type: Insertion.
Coding change: c.2014-3_2014-2insCCATGTC on transcript NM_001127392.3 (MANE Select); 3 bases into the intron before coding-DNA position 2014 through the canonical splice acceptor site of the intron before coding-DNA position 2014, CCATGTC inserted.
Molecular consequence: intron variant.
Genome position: GRCh38 VCF-style: chr11-61779259-G-GCCCATGT. GRCh37 (hg19) VCF-style: chr11-61546731-G-GCCCATGT.
Other names: c.1987-3_1987-2insCCATGTC (NM_013279.4).
Identifiers: ClinVar variation 1315969 (VCV001315969.2), dbSNP rs2135856196, ClinGen allele CA2573053531.